The following is an entry in ClinVar:

ClinVar aggregate classification (germline): Likely benign (1 of 4 stars; one submission).

Submission:

Women's Health and Genetics/Laboratory Corporation of America, LabCorp
Classification: Likely benign. Last evaluated: 2025-03-06. Review status: criteria provided, single submitter. Criteria: LabCorp Variant Classification Summary - May 2015. Collection method: clinical testing. Allele origin: germline.
Comment: Variant summary: LYST c.2517T>A alters a non-conserved nucleotide resulting in a synonymous change. The variant was absent in 251262 control chromosomes. The available data on variant occurrences in the general population are insufficient to allow any conclusion about variant significance. To our knowledge, no occurrence of c.2517T>A in individuals affected with Chediak-Higashi Syndrome and no experimental evidence demonstrating its impact on protein function have been reported. No submitters have cited clinical-significance assessments for this variant to ClinVar. Based on the evidence outlined above, the variant was classified as likely benign.

NM_000081.4(LYST):c.2517T>A (p.Ile839=)

Gene: LYST (lysosomal trafficking regulator; minus strand). Cytogenetic location: 1q42.3.
Variant type: single nucleotide variant.
Coding change: c.2517T>A on transcript NM_000081.4 (MANE Select); coding-DNA position 2517, T replaced by A.
Protein change: p.Ile839=; no amino-acid change (isoleucine 839 retained).
Molecular consequence: synonymous variant.
Genome position (GRCh38, 1-based): chr1:235,806,619, A>T on the plus strand (T>A on the coding strand, the complement: LYST is on the minus strand). VCF-style: chr1-235806619-A-T. GRCh37 (hg19) VCF-style: chr1-235969919-A-T.
Other names: c.2517T>A, p.Ile839= (NM_001301365.1).
Identifiers: ClinVar variation 3895802 (VCV003895802.1).
Genomic context (GRCh38, chr1:235,806,619, plus strand): 5'-ATGAAAAGAAGTACCCACATGTACAGAGGACAACTCCTTCTGTTCAATGTCTATCCCATC[A>T]ATATCTGGAACTGAGGCATCTTTCTGTTGCTCCCCTAGGCTGATTATCAGAGTTTCAAAT-3'
Protein context (NP_000072.2, residues 829-849): EQQKDASVPD[Ile839=]DGIDIEQKEL